The following is an entry in ClinVar:

ClinVar aggregate classification (germline): Uncertain significance. Review status: criteria provided, multiple submitters, no conflicts (2 of 4 stars). 2 submissions from 2 submitters: Uncertain significance (2). Last evaluated 2026-04-04.

Conditions:
Hypertrophic cardiomyopathy. Also called: HYPERTROPHIC MYOCARDIOPATHY. Identifiers: Orphanet 217569, MedGen C0007194, MeSH D002312, MONDO:0005045, HP:0001639.

Submissions (2):

Ambry Genetics
Classification: Uncertain significance. Last evaluated: 2026-04-04. Review status: criteria provided, single submitter. Criteria: Ambry Variant Classification Scheme 2023. Collection method: clinical testing. Allele origin: germline.
Comment: The p.V896M variant (also known as c.2686G>A), located in coding exon 17 of the MYOM1 gene, results from a G to A substitution at nucleotide position 2686. The valine at codon 896 is replaced by methionine, an amino acid with highly similar properties. This amino acid position is conserved. In addition, this alteration is predicted to be tolerated by in silico analysis. Based on the available evidence, the clinical significance of this variant remains unclear.

Labcorp Genetics (formerly Invitae), Labcorp
Classification: Uncertain significance for Hypertrophic cardiomyopathy. Last evaluated: 2025-04-11. Review status: criteria provided, single submitter. Criteria: Invitae Variant Classification Sherloc (09022015). Collection method: clinical testing. Allele origin: germline.
Comment: This sequence change replaces valine, which is neutral and non-polar, with methionine, which is neutral and non-polar, at codon 896 of the MYOM1 protein (p.Val896Met). This variant is not present in population databases (gnomAD no frequency). This variant has not been reported in the literature in individuals affected with MYOM1-related conditions. An algorithm developed to predict the effect of missense changes on protein structure and function (PolyPhen-2) suggests that this variant is likely to be tolerated. In summary, the available evidence is currently insufficient to determine the role of this variant in disease. Therefore, it has been classified as a Variant of Uncertain Significance.

NM_003803.4(MYOM1):c.2686G>A (p.Val896Met)

Gene: MYOM1 (myomesin 1; minus strand). Cytogenetic location: 18p11.31.
Variant type: single nucleotide variant.
Coding change: c.2686G>A on transcript NM_003803.4 (MANE Select); coding-DNA position 2686, G replaced by A.
Protein change: p.Val896Met; replaces valine 896 with methionine.
Molecular consequence: missense variant. On other transcripts: intron variant (1).
Genome position (GRCh38, 1-based): chr18:3,129,340, C>T on the plus strand (G>A on the coding strand, the complement: MYOM1 is on the minus strand). VCF-style: chr18-3129340-C-T. GRCh37 (hg19) VCF-style: chr18-3129338-C-T.
Other names: c.2506+2035G>A (NM_019856.2); short protein forms V896M.
Identifiers: ClinVar variation 4706336 (VCV004706336.2).